The following is an entry in ClinVar:

NM_005866.4(SIGMAR1):c.550_561del (p.Phe184_Ala187del)

Gene: SIGMAR1 (sigma receptor chaperone 1; minus strand). Cytogenetic location: 9p13.3.
Variant type: Deletion.
Coding change: c.550_561del on transcript NM_005866.4 (MANE Select); coding-DNA positions 550 to 561, 12 bases deleted (TTCGCGCTGGCC).
Protein change: p.Phe184_Ala187del.
Molecular consequence: inframe deletion. On other transcripts: 3 prime UTR variant (2), non-coding transcript variant (1), intron variant (1).
Genome position (GRCh38, 1-based): chr9:34,635,743-34,635,754, GGCCAGCGCGAA deleted on the plus strand (TTCGCGCTGGCC on the coding strand, the reverse complement: SIGMAR1 is on the minus strand); deleting any 12 consecutive bases within chr9:34,635,743-34,635,760 gives the same sequence; the c. name uses the placement nearest the transcript's 3' end. VCF-style (leftmost placement, unchanged base first): chr9-34635742-CGGCCAGCGCGAA-C. GRCh37 (hg19) VCF-style: chr9-34635739-CGGCCAGCGCGAA-C.
Other names: c.250_261del, p.Phe84_Ala87del (NM_001282206.2); c.490_501del, p.Phe164_Ala167del (NM_001282207.2); c.*93_*104del (NM_001282208.2); c.*77_*88del (NM_001282209.2); c.457_468del, p.Phe153_Ala156del (NM_147157.3); c.446-114_446-103del (NM_001282205.2).
Identifiers: ClinVar variation 1396672 (VCV001396672.6), dbSNP rs2132324233, ClinGen allele CA2573144580.

ClinVar aggregate classification (germline): Uncertain significance (1 of 4 stars; one submission).

Conditions:
Autosomal recessive distal spinal muscular atrophy 2. Also called: NEUROPATHY, DISTAL HEREDITARY MOTOR, AUTOSOMAL RECESSIVE 2; NEURONOPATHY, DISTAL HEREDITARY MOTOR, JERASH TYPE; NEUROPATHY, DISTAL HEREDITARY MOTOR, JERASH TYPE; SPINAL MUSCULAR ATROPHY, JERASH TYPE; Hereditary motor neuropathy, Jerash type; Motor neuropathy, distal, Jerash type. Identifiers: Orphanet 139552, MedGen C1854023, MONDO:0011585, OMIM 605726.
Amyotrophic lateral sclerosis type 16. Also called: AMYOTROPHIC LATERAL SCLEROSIS 16, JUVENILE. Identifiers: Orphanet 300605, MedGen C3280587, MONDO:0013715, OMIM 614373.

Submission:

Labcorp Genetics (formerly Invitae), Labcorp
Classification: Uncertain significance for Autosomal recessive distal spinal muscular atrophy 2; Amyotrophic lateral sclerosis type 16. Last evaluated: 2021-12-09. Review status: criteria provided, single submitter. Criteria: Invitae Variant Classification Sherloc (09022015). Collection method: clinical testing. Allele origin: germline.
Comment: This variant is not present in population databases (gnomAD no frequency). In summary, the available evidence is currently insufficient to determine the role of this variant in disease. Therefore, it has been classified as a Variant of Uncertain Significance. Experimental studies and prediction algorithms are not available or were not evaluated, and the functional significance of this variant is currently unknown. This variant has not been reported in the literature in individuals affected with SIGMAR1-related conditions. This variant, c.550_561del, results in the deletion of 4 amino acid(s) of the SIGMAR1 protein (p.Phe184_Ala187del), but otherwise preserves the integrity of the reading frame.